The following is an entry in ClinVar:

NM_004104.5(FASN):c.2101G>C (p.Val701Leu)

Gene: FASN (fatty acid synthase; minus strand). Cytogenetic location: 17q25.3.
Variant type: single nucleotide variant.
Coding change: c.2101G>C on transcript NM_004104.5 (MANE Select); coding-DNA position 2101, G replaced by C.
Protein change: p.Val701Leu; replaces valine 701 with leucine.
Molecular consequence: missense variant.
Genome position (GRCh38, 1-based): chr17:82,089,172, C>G on the plus strand (G>C on the coding strand, the complement: FASN is on the minus strand). VCF-style: chr17-82089172-C-G. GRCh37 (hg19) VCF-style: chr17-80047048-C-G.
Other names: short protein forms V701L.
Identifiers: ClinVar variation 462018 (VCV000462018.11), dbSNP rs201027447, ClinGen allele CA8852896.

ClinVar aggregate classification (germline): Uncertain significance. Review status: criteria provided, multiple submitters, no conflicts (2 of 4 stars). 2 submissions from 2 submitters: Uncertain significance (2). Last evaluated 2023-08-24.

Conditions:
Epileptic encephalopathy. Identifiers: MedGen C0543888, HP:0200134.

Allele frequency attached by ClinVar (database versions not stated): gnomAD exomes 0.00003; gnomAD 0.00005; ExAC 0.00005; TOPMed 0.00006; ESP Exome Variant Server 0.00008.
gnomAD v4.1: 97 of 1,583,834 alleles (0.0061%); highest among the groups gnomAD compares: Non-Finnish European, 0.0078%; no homozygotes.

Submissions (3):

Labcorp Genetics (formerly Invitae), Labcorp
Classification: Uncertain significance for Epileptic encephalopathy. Last evaluated: 2023-08-24. Review status: criteria provided, single submitter. Criteria: Invitae Variant Classification Sherloc (09022015). Collection method: clinical testing. Allele origin: germline.
Comment: In summary, the available evidence is currently insufficient to determine the role of this variant in disease. Therefore, it has been classified as a Variant of Uncertain Significance. An algorithm developed to predict the effect of missense changes on protein structure and function (PolyPhen-2) suggests that this variant is likely to be disruptive. This sequence change replaces valine, which is neutral and non-polar, with leucine, which is neutral and non-polar, at codon 701 of the FASN protein (p.Val701Leu). This variant is present in population databases (rs201027447, gnomAD 0.008%). This variant has not been reported in the literature in individuals affected with FASN-related conditions. ClinVar contains an entry for this variant (Variation ID: 462018).

Ambry Genetics
Classification: Uncertain significance. Last evaluated: 2023-04-07. Review status: criteria provided, single submitter. Criteria: Ambry Variant Classification Scheme 2023. Collection method: clinical testing. Allele origin: germline.

Dr. Peter K. Rogan Lab, Western University
No classification provided (evidence only). Condition: Lung cancer. Review status: no classification provided. Collection method: in vitro. Allele origin: not applicable. Functional consequence: retained intron. Not counted in ClinVar's aggregate classification.